The following is an entry in ClinVar:

NM_001830.4(CLCN4):c.844G>C (p.Val282Leu)

Gene: CLCN4 (chloride voltage-gated channel 4; plus strand). Cytogenetic location: Xp22.2.
Variant type: single nucleotide variant.
Coding change: c.844G>C on transcript NM_001830.4 (MANE Select); coding-DNA position 844, G replaced by C.
Protein change: p.Val282Leu; replaces valine 282 with leucine.
Molecular consequence: missense variant.
Genome position (GRCh38, 1-based): chrX:10,208,045, G>C. VCF-style: chrX-10208045-G-C. GRCh37 (hg19) VCF-style: chrX-10176085-G-C.
Other names: c.562G>C, p.Val188Leu (NM_001256944.2); short protein forms V282L, V188L.
Identifiers: ClinVar variation 841315 (VCV000841315.10), dbSNP rs1924440766, ClinGen allele CA412037281.

ClinVar aggregate classification (germline): Uncertain significance (1 of 4 stars; one submission).

Submission:

Labcorp Genetics (formerly Invitae), Labcorp
Classification: Uncertain significance. Last evaluated: 2020-03-15. Review status: criteria provided, single submitter. Criteria: Invitae Variant Classification Sherloc (09022015). Collection method: clinical testing. Allele origin: germline.
Comment: This variant has not been reported in the literature in individuals with CLCN4-related conditions. This variant is not present in population databases (ExAC no frequency). This sequence change replaces valine with leucine at codon 282 of the CLCN4 protein (p.Val282Leu). The valine residue is moderately conserved and there is a small physicochemical difference between valine and leucine. Algorithms developed to predict the effect of missense changes on protein structure and function (SIFT, PolyPhen-2, Align-GVGD) all suggest that this variant is likely to be tolerated, but these predictions have not been confirmed by published functional studies and their clinical significance is uncertain. In summary, the available evidence is currently insufficient to determine the role of this variant in disease. Therefore, it has been classified as a Variant of Uncertain Significance. Algorithms developed to predict the effect of sequence changes on RNA splicing suggest that this variant may disrupt the consensus splice site, but this prediction has not been confirmed by published transcriptional studies.